The following is an entry in ClinVar:

ClinVar aggregate classification (germline): Pathogenic/Likely pathogenic. Review status: criteria provided, multiple submitters, no conflicts (2 of 4 stars). 2 submissions from 2 submitters: Pathogenic (1); Likely pathogenic (1). Last evaluated 2022-11-14.

Conditions:
Familial cancer of breast. Also called: BREAST CANCER, FAMILIAL; Hereditary breast cancer; hereditary breast carcinoma. Identifiers: Orphanet 227535, MedGen C0346153, MONDO:0016419, OMIM 114480. Disease mechanism: loss of function.
Hereditary cancer-predisposing syndrome. Also called: Neoplastic Syndromes, Hereditary; Tumor predisposition; Hereditary neoplastic syndrome; Hereditary Cancer Syndrome. Identifiers: Orphanet 140162, MedGen C0027672, MeSH D009386, MONDO:0015356.

Submissions (2):

Ambry Genetics
Classification: Pathogenic for Hereditary cancer-predisposing syndrome. Last evaluated: 2022-11-14. Review status: criteria provided, single submitter. Criteria: Ambry Variant Classification Scheme 2023. Collection method: clinical testing. Allele origin: germline.
Comment: The c.1025delG pathogenic mutation, located in coding exon 9 of the CHEK2 gene, results from a deletion of one nucleotide at nucleotide position 1025, causing a translational frameshift with a predicted alternate stop codon (p.G342Vfs*7). This variant is considered to be rare based on population cohorts in the Genome Aggregation Database (gnomAD). This alteration is expected to result in loss of function by premature protein truncation or nonsense-mediated mRNA decay. As such, this alteration is interpreted as a disease-causing mutation.

Baylor Genetics
Classification: Likely pathogenic for Familial cancer of breast. Last evaluated: 2022-08-29. Review status: criteria provided, single submitter. Criteria: ACMG Guidelines, 2015. Collection method: clinical testing. Allele origin: unknown.

NM_007194.4(CHEK2):c.1025del (p.Gly342fs)

Gene: CHEK2 (checkpoint kinase 2; minus strand). Cytogenetic location: 22q12.1.
Variant type: Deletion.
Coding change: c.1025del on transcript NM_007194.4 (MANE Select); coding-DNA position 1025, one base deleted (G; older notation c.1025delG).
Protein change: p.Gly342fs; shifts the reading frame from glycine 342.
Molecular consequence: frameshift variant. On other transcripts: intron variant (3).
Genome position (GRCh38, 1-based): chr22:28,696,971, C deleted on the plus strand (G on the coding strand, the reverse complement: CHEK2 is on the minus strand); the first of 2 consecutive C bases (chr22:28,696,971-28,696,972); deleting either gives the same sequence. VCF-style (leftmost placement, unchanged base first): chr22-28696970-AC-A. GRCh37 (hg19) VCF-style: chr22-29092958-AC-A.
Other names: c.1154del, p.Gly385fs (NM_001005735.3); c.362del, p.Gly121fs (NM_001257387.3, NM_001437942.1); c.824del, p.Gly275fs (NM_001349956.3); c.1118del, p.Gly373fs (NM_001438293.1); c.1009-1098del (NM_145862.3); c.1102-1098del (NM_001438295.1); c.1138-1098del (NM_001438294.1); short protein forms G121fs, G342fs, G275fs, G385fs, G373fs.
Identifiers: ClinVar variation 2452068 (VCV002452068.3), dbSNP rs2517823002, ClinGen allele CA2580099574.